The following is an entry in ClinVar:

ClinVar aggregate classification (germline): Uncertain significance (1 of 4 stars; one submission).

Conditions:
Pulmonary fibrosis and/or bone marrow failure, Telomere-related, 4. Also called: PULMONARY FIBROSIS AND/OR BONE MARROW FAILURE SYNDROME, TELOMERE-RELATED, 4. Identifiers: Orphanet 2032, MedGen C4225347, MONDO:0014612, OMIM 616371.
Dyskeratosis congenita, autosomal recessive 6 (DKCB6). Identifiers: MedGen C4225356, MONDO:0014600, OMIM 616353.

Submission:

Labcorp Genetics (formerly Invitae), Labcorp
Classification: Uncertain significance for Dyskeratosis congenita, autosomal recessive 6; Pulmonary fibrosis and/or bone marrow failure, Telomere-related, 4. Last evaluated: 2025-05-12. Review status: criteria provided, single submitter. Criteria: Invitae Variant Classification Sherloc (09022015). Collection method: clinical testing. Allele origin: germline.
Comment: This sequence change replaces arginine, which is basic and polar, with lysine, which is basic and polar, at codon 99 of the PARN protein (p.Arg99Lys). This variant is not present in population databases (gnomAD no frequency). This variant has not been reported in the literature in individuals affected with PARN-related conditions. An algorithm developed to predict the effect of missense changes on protein structure and function (PolyPhen-2) suggests that this variant is likely to be tolerated. In summary, the available evidence is currently insufficient to determine the role of this variant in disease. Therefore, it has been classified as a Variant of Uncertain Significance.

NM_002582.4(PARN):c.296G>A (p.Arg99Lys)

Gene: PARN (poly(A)-specific ribonuclease; minus strand). Cytogenetic location: 16p13.12.
Variant type: single nucleotide variant.
Coding change: c.296G>A on transcript NM_002582.4 (MANE Select); coding-DNA position 296, G replaced by A.
Protein change: p.Arg99Lys; replaces arginine 99 with lysine.
Molecular consequence: missense variant. On other transcripts: splice acceptor variant (1).
Genome position (GRCh38, 1-based): chr16:14,627,137, C>T on the plus strand (G>A on the coding strand, the complement: PARN is on the minus strand). VCF-style: chr16-14627137-C-T. GRCh37 (hg19) VCF-style: chr16-14720994-C-T.
Other names: c.113G>A, p.Arg38Lys (NM_001134477.3); c.159-1G>A (NM_001242992.2); short protein forms R99K, R38K.
Identifiers: ClinVar variation 4784957 (VCV004784957.1).